The following is an entry in ClinVar:

NM_000138.5(FBN1):c.2114-3C>A

Gene: FBN1 (fibrillin 1; minus strand). Cytogenetic location: 15q21.1.
Variant type: single nucleotide variant.
Coding change: c.2114-3C>A on transcript NM_000138.5 (MANE Select); 3 bases into the intron before coding-DNA position 2114, C replaced by A.
Molecular consequence: intron variant.
Genome position (GRCh38, 1-based): chr15:48,499,041, G>T on the plus strand (C>A on the coding strand, the complement: FBN1 is on the minus strand). VCF-style: chr15-48499041-G-T. GRCh37 (hg19) VCF-style: chr15-48791238-G-T.
Other names: c.2114-3C>A (NM_001406716.1).
Identifiers: ClinVar variation 3773760 (VCV003773760.1).

ClinVar aggregate classification (germline): Likely pathogenic (1 of 4 stars; one submission).

Conditions:
Marfan syndrome (MFS). Also called: MARFAN SYNDROME, TYPE I; Marfan syndrome type 1; Marfan's syndrome; Marfan syndrome, classic; FBN1-Related Marfan Syndrome. Identifiers: Orphanet 284963, Orphanet 558, MedGen C0024796, MONDO:0007947, OMIM 154700.

Submission:

Molecular Genetics, Royal Melbourne Hospital
Classification: Likely pathogenic for Marfan syndrome. Last evaluated: 2024-06-13. Review status: criteria provided, single submitter. Criteria: ACMG Guidelines, 2015. Collection method: clinical testing. Allele origin: germline. Inheritance: Autosomal dominant inheritance. Affected: yes.
Comment: This sequence change in FBN1 occurs within the splice acceptor region of intron 17. It is predicted to cause exon 18 skipping (SpliceAI). RNA studies have not been conducted to confirm this prediction. This variant is absent from the population database gnomAD v4.1. Based on the classification scheme RMH Modified ACMG/AMP Guidelines v1.6.1, this variant is classified as LIKELY PATHOGENIC. Following criteria are met: PP4_Strong, PM6, PM2_Supporting, PP3.

Literature cited by the submitters: PubMed 25652356.